The following is an entry in ClinVar:

NM_178857.6(RP1L1):c.3235G>A (p.Val1079Met)

Gene: RP1L1 (RP1 like 1). Cytogenetic location: 8p23.1.
Variant type: single nucleotide variant.
Coding change: c.3235G>A on transcript NM_178857.6 (MANE Select); coding-DNA position 3235, G replaced by A.
Protein change: p.Val1079Met; replaces valine 1079 with methionine.
Molecular consequence: missense variant.
Genome position (GRCh38, 1-based): chr8:10,610,863, C>T on the plus strand (G>A on the coding strand, the complement: RP1L1 is on the minus strand). VCF-style: chr8-10610863-C-T. GRCh37 (hg19) VCF-style: chr8-10468373-C-T.
Other names: short protein forms V1079M.
Identifiers: ClinVar variation 2367343 (VCV002367343.6), dbSNP rs199978661, ClinGen allele CA4624557.

ClinVar aggregate classification (germline): Conflicting classifications of pathogenicity. Review status: criteria provided, conflicting classifications (1 of 4 stars). 4 submissions from 4 submitters: Uncertain significance (2); Likely benign (1). 1 of the submissions does not count toward it. Last evaluated 2025-07-29.

Conditions:
Inborn genetic diseases. Identifiers: MedGen C0950123, MeSH D030342.
RP1L1-related disorder. Also called: RP1L1-related condition.

Allele frequency attached by ClinVar (database versions not stated): ESP Exome Variant Server 0.00033; 1000 Genomes Project 0.00120; 1000 Genomes Project 30x 0.00156.
gnomAD v4.1: 207 of 1,608,420 alleles (0.013%); highest among the groups gnomAD compares: African/African-American, 0.25%; no homozygotes.

Submissions (4):

GeneDx
Classification: Uncertain significance. Last evaluated: 2025-07-29. Review status: criteria provided, single submitter. Criteria: GeneDx Variant Classification Process June 2021. Collection method: clinical testing. Allele origin: germline. Affected: yes.
Comment: In silico analysis suggests that this missense variant does not alter protein structure/function; Has not been previously published as pathogenic or benign to our knowledge

Ambry Genetics
Classification: Uncertain significance for Inborn genetic diseases. Last evaluated: 2024-01-04. Review status: criteria provided, single submitter. Criteria: Ambry Variant Classification Scheme 2023. Collection method: clinical testing. Allele origin: germline.

Blueprint Genetics
Classification: Likely benign. Last evaluated: 2023-07-05. Review status: criteria provided, single submitter. Criteria: ACMG Guidelines, 2015. Collection method: clinical testing. Allele origin: germline.

PreventionGenetics, part of Exact Sciences
Classification: Likely benign for RP1L1-related condition. Last evaluated: 2019-06-26. Review status: no assertion criteria provided. Collection method: clinical testing. Allele origin: germline. Not counted in ClinVar's aggregate classification.
Comment: This variant is classified as likely benign based on ACMG/AMP sequence variant interpretation guidelines (Richards et al. 2015 PMID: 25741868, with internal and published modifications).